The following is an entry in ClinVar:

ClinVar aggregate classification (germline): Uncertain significance (1 of 4 stars; one submission).

Conditions:
Familial hemophagocytic lymphohistiocytosis 3 (FHL3). Also called: UNC13D-Related Familial Hemophagocytic Lymphohistiocytosis (UNC13D-fHLH). Identifiers: Orphanet 540, MedGen C1837174, MONDO:0012146, OMIM 608898.

Allele frequency attached by ClinVar (database versions not stated): ExAC 0.00001.
gnomAD v4.1: 18 of 1,612,582 alleles (0.0011%); highest among the groups gnomAD compares: East Asian, 0.0067%; no homozygotes.

Submission:

Labcorp Genetics (formerly Invitae), Labcorp
Classification: Uncertain significance for Familial hemophagocytic lymphohistiocytosis 3. Last evaluated: 2022-10-17. Review status: criteria provided, single submitter. Criteria: Invitae Variant Classification Sherloc (09022015). Collection method: clinical testing. Allele origin: germline.
Comment: This sequence change replaces arginine, which is basic and polar, with cysteine, which is neutral and slightly polar, at codon 610 of the UNC13D protein (p.Arg610Cys). This variant is present in population databases (rs770785521, gnomAD 0.01%). This variant has not been reported in the literature in individuals affected with UNC13D-related conditions. Advanced modeling of protein sequence and biophysical properties (such as structural, functional, and spatial information, amino acid conservation, physicochemical variation, residue mobility, and thermodynamic stability) performed at Invitae indicates that this missense variant is expected to disrupt UNC13D protein function. In summary, the available evidence is currently insufficient to determine the role of this variant in disease. Therefore, it has been classified as a Variant of Uncertain Significance.

NM_199242.3(UNC13D):c.1828C>T (p.Arg610Cys)

Gene: UNC13D (unc-13 homolog D; minus strand). Cytogenetic location: 17q25.1.
Variant type: single nucleotide variant.
Coding change: c.1828C>T on transcript NM_199242.3 (MANE Select); coding-DNA position 1828, C replaced by T.
Protein change: p.Arg610Cys; replaces arginine 610 with cysteine.
Molecular consequence: missense variant.
Genome position (GRCh38, 1-based): chr17:75,835,429, G>A on the plus strand (C>T on the coding strand, the complement: UNC13D is on the minus strand). VCF-style: chr17-75835429-G-A. GRCh37 (hg19) VCF-style: chr17-73831510-G-A.
Other names: short protein forms R610C.
Identifiers: ClinVar variation 2153610 (VCV002153610.1), dbSNP rs770785521, ClinGen allele CA8772791.